The following is an entry in ClinVar:

ClinVar aggregate classification (germline): Likely benign (1 of 4 stars; one submission).

Submission:

CeGaT Center for Human Genetics Tuebingen
Classification: Likely benign. Last evaluated: 2025-01-01. Review status: criteria provided, single submitter. Criteria: CeGaT Center For Human Genetics Tuebingen Variant Classification Criteria Version 2. Collection method: clinical testing. Allele origin: germline. Affected: yes. Observed: 1 variant allele.
Comment: MUC17: BP4, BP7

NM_001040105.2(MUC17):c.8781T>C (p.Ser2927=)

Gene: MUC17 (mucin 17, cell surface associated; plus strand). Cytogenetic location: 7q22.1.
Variant type: single nucleotide variant.
Coding change: c.8781T>C on transcript NM_001040105.2 (MANE Select); coding-DNA position 8781, T replaced by C.
Protein change: p.Ser2927=; no amino-acid change (serine 2927 retained).
Molecular consequence: synonymous variant. On other transcripts: non-coding transcript variant (1).
Genome position (GRCh38, 1-based): chr7:101,040,197, T>C. VCF-style: chr7-101040197-T-C. GRCh37 (hg19) VCF-style: chr7-100683478-T-C.
Identifiers: ClinVar variation 3771367 (VCV003771367.13).